The following is an entry in ClinVar:

NM_003873.7(NRP1):c.479C>T (p.Ser160Phe)

Genes: NRP1 (neuropilin 1; minus strand), LOC126860910 (P300/CBP strongly-dependent group 1 enhancer GRCh37_chr10:33552654-33553853; plus strand). Cytogenetic location: 10p11.22.
Variant type: single nucleotide variant.
Coding change: c.479C>T on transcript NM_003873.7 (MANE Select); coding-DNA position 479, C replaced by T.
Protein change: p.Ser160Phe; replaces serine 160 with phenylalanine.
Molecular consequence: missense variant. On other transcripts: non-coding transcript variant (1).
Genome position (GRCh38, 1-based): chr10:33,263,825, G>A on the plus strand (C>T on the coding strand, the complement: NRP1 is on the minus strand). VCF-style: chr10-33263825-G-A. GRCh37 (hg19) VCF-style: chr10-33552753-G-A.
Other names: c.479C>T, p.Ser160Phe (NM_001024628.3, NM_001024629.3, NM_001244972.2 and 2 more transcripts); short protein forms S160F.
Identifiers: ClinVar variation 4984710 (VCV004984710.1).

ClinVar aggregate classification (germline): Uncertain significance (1 of 4 stars; one submission).

Conditions:
NRP1-related disorder. Also called: NRP1-related condition.

Submission:

PreventionGenetics, part of Exact Sciences
Classification: Uncertain significance for NRP1-related condition. Last evaluated: 2026-08-12. Review status: criteria provided, single submitter. Criteria: ACMG Guidelines, 2015. Collection method: clinical testing. Allele origin: germline.
Comment: The NRP1 c.479C>T variant is predicted to result in the amino acid substitution p.Ser160Phe. To our knowledge, this variant has not been reported in the literature or in a large population database (gnomAD), indicating this variant is rare. At this time, the clinical significance of this variant is uncertain due to the absence of conclusive functional and genetic evidence.